The following is an entry in ClinVar:

NM_000540.3(RYR1):c.6748A>G (p.Met2250Val)

Gene: RYR1 (ryanodine receptor 1; plus strand). Cytogenetic location: 19q13.2.
Variant type: single nucleotide variant.
Coding change: c.6748A>G on transcript NM_000540.3 (MANE Select); coding-DNA position 6748, A replaced by G.
Protein change: p.Met2250Val; replaces methionine 2250 with valine.
Molecular consequence: missense variant.
Genome position (GRCh38, 1-based): chr19:38,496,493, A>G. VCF-style: chr19-38496493-A-G. GRCh37 (hg19) VCF-style: chr19-38987133-A-G.
Other names: c.6748A>G, p.Met2250Val (NM_001042723.2); short protein forms M2250V.
Identifiers: ClinVar variation 3073115 (VCV003073115.1), dbSNP rs1481773106, ClinGen allele CA405666334.

ClinVar aggregate classification (germline): Uncertain significance (1 of 4 stars; one submission).

Conditions:
Malignant hyperthermia, susceptibility to, 1 (MHS1). Also called: Anesthesia related hyperthermia; Malignant hyperpyrexia; Fulminating hyperpyrexia; Pharmacogenic myopathy; RYR1-Related Malignant Hyperthermia Susceptibility; Malignant hyperthermia suceptibility 1. Identifiers: Orphanet 423, MedGen C2930980, MONDO:0007783, OMIM 145600.

Allele frequency attached by ClinVar (database versions not stated): gnomAD 0.00001; TOPMed 0.00001.
gnomAD v4.1: 4 of 1,613,480 alleles (0.00025%); highest among the groups gnomAD compares: Non-Finnish European, 0.00034%; no homozygotes.

Submission:

All of Us Research Program, National Institutes of Health
Classification: Uncertain significance for Malignant hyperthermia, susceptibility to, 1. Last evaluated: 2023-08-23. Review status: criteria provided, single submitter. Criteria: ACMG Guidelines, 2015. Collection method: clinical testing. Allele origin: germline. Inheritance: Autosomal dominant inheritance. Observed: 1 variant allele, 1 heterozygote.
Comment: This missense variant replaces methionine with valine at codon 2250 of the RYR1 protein. Computational prediction suggests that this variant may have deleterious impact on protein structure and function (internally defined REVEL score threshold >= 0.7, PMID: 27666373). To our knowledge, functional studies have not been reported for this variant. This variant has not been reported in individuals affected with RYR1-related disorders in the literature. This variant has not been identified in the general population by the Genome Aggregation Database (gnomAD). The available evidence is insufficient to determine the role of this variant in disease conclusively. Therefore, this variant is classified as a Variant of Uncertain Significance.

This study involves interpretation of variants in research participants for the purpose of population health screening. Participant phenotype was not available at the time of variant classification. Additional details can be found in publication PMID: 35346344, PMCID: PMC8962531